The following is an entry in ClinVar:

NM_052845.4(MMAB):c.398C>T (p.Ser133Phe)

Gene: MMAB (metabolism of cobalamin associated B; minus strand). Cytogenetic location: 12q24.11.
Variant type: single nucleotide variant.
Coding change: c.398C>T on transcript NM_052845.4 (MANE Select); coding-DNA position 398, C replaced by T.
Protein change: p.Ser133Phe; replaces serine 133 with phenylalanine.
Molecular consequence: missense variant. On other transcripts: non-coding transcript variant (1).
Genome position (GRCh38, 1-based): chr12:109,561,803, G>A on the plus strand (C>T on the coding strand, the complement: MMAB is on the minus strand). VCF-style: chr12-109561803-G-A. GRCh37 (hg19) VCF-style: chr12-109999608-G-A.
Other names: short protein forms S133F.
Identifiers: ClinVar variation 553274 (VCV000553274.13), dbSNP rs749936057, ClinGen allele CA6778922.
Genomic context (GRCh38, chr12:109,561,803, plus strand): 5'-AGGGCCCTCTGAACACCCACAGGAGTTTGAGAATTACTTAAGTGAGCCTCCCGGGCCGAG[G>A]AGCATGGTGTCGCCAGGGCCGAGCCGACGTCCTGCAATGTGCACTGGATCTGGGGGGCGA-3'
Protein context (NP_443077.1, residues 123-143): DVGSALATPC[Ser133Phe]SAREAHLKYT

ClinVar aggregate classification (germline): Conflicting classifications of pathogenicity. Review status: criteria provided, conflicting classifications (1 of 4 stars). 5 submissions from 5 submitters: Likely pathogenic (2); Uncertain significance (2). 1 of the submissions does not count toward it. Last evaluated 2025-05-27.

Conditions:
Methylmalonic aciduria, cblB type (MACB). Also called: METHYLMALONIC ACIDURIA, VITAMIN B12-RESPONSIVE, DUE TO DEFECT IN SYNTHESIS OF ADENOSYLCOBALAMIN, cblB TYPE; Vitamin B12-responsive methylmalonic acidemia type cblB; Methylmalonic acidemia cblB type. Identifiers: Orphanet 28, Orphanet 79311, MedGen C1855102, MONDO:0009614, OMIM 251110.

Allele frequency attached by ClinVar (database versions not stated): gnomAD 0.00001; gnomAD exomes 0.00001 and 0.00002; TOPMed 0.00002; ExAC 0.00003.
gnomAD v4.1: 15 of 1,609,920 alleles (0.00093%); highest among the groups gnomAD compares: Middle Eastern, 0.033%; no homozygotes.

Submissions (5):

Natera, Inc.
Classification: Likely pathogenic for Methylmalonic aciduria cblB type. Last evaluated: 2025-05-27. Review status: criteria provided, single submitter. Criteria: Natera Variant Classification Schema (03/2026). Collection method: clinical testing. Allele origin: germline.
Comment: The c.398C>T variant in MMAB is a missense variant predicted to cause substitution of serine to phenylalanine at amino acid 133. This variant is rare in the general population with a frequency below the threshold expected for the associated phenotype(s). This variant has been observed in one or more individuals affected with the associated recessive disease, as either homozygous or compound heterozygous with a second variant (PMID: 36964972, 23707710). This variant has been identified in one or more affected individuals with a phenotype highly consistent with the associated gene (PMID: 36964972, 23707710). Computational prediction algorithms indicate this variant is likely to affect gene or protein function. Given the available evidence, this variant is classified as Likely Pathogenic.

Fulgent Genetics
Classification: Likely pathogenic for Methylmalonic aciduria, cblB type. Last evaluated: 2024-06-01. Review status: criteria provided, single submitter. Criteria: ACMG Guidelines, 2015. Collection method: clinical testing. Allele origin: germline.

3billion
Classification: Uncertain significance for Methylmalonic aciduria, cblB type. Last evaluated: 2023-06-10. Review status: criteria provided, single submitter. Criteria: ACMG Guidelines, 2015. Collection method: clinical testing. Allele origin: germline. Affected: yes.
Comment: The variant is observed at an extremely low frequency in the gnomAD v2.1.1 dataset (total allele frequency: 0.002%). Predicted Consequence/Location: Missense variant In silico tool predictions suggest damaging effect of the variant on gene or gene product (REVEL: 0.75; 3Cnet: 0.68). Therefore, this variant is classified as VUS according to the recommendation of ACMG/AMP guideline.

Labcorp Genetics (formerly Invitae), Labcorp
Classification: Uncertain significance for Methylmalonic aciduria, cblB type. Last evaluated: 2022-05-17. Review status: criteria provided, single submitter. Criteria: Invitae Variant Classification Sherloc (09022015). Collection method: clinical testing. Allele origin: germline.
Comment: This sequence change replaces serine, which is neutral and polar, with phenylalanine, which is neutral and non-polar, at codon 133 of the MMAB protein (p.Ser133Phe). This variant is present in population databases (rs749936057, gnomAD 0.006%). This missense change has been observed in individual(s) with clinical features of cobalamin B deficiency (PMID: 23707710). In at least one individual the data is consistent with being in trans (on the opposite chromosome) from a pathogenic variant. ClinVar contains an entry for this variant (Variation ID: 553274). Algorithms developed to predict the effect of missense changes on protein structure and function are either unavailable or do not agree on the potential impact of this missense change (SIFT: "Deleterious"; PolyPhen-2: "Possibly Damaging"; Align-GVGD: "Class C0"). In summary, the available evidence is currently insufficient to determine the role of this variant in disease. Therefore, it has been classified as a Variant of Uncertain Significance.

Counsyl
Classification: Uncertain significance for Methylmalonic aciduria, cblB type. Last evaluated: 2017-08-10. Review status: no assertion criteria provided. Collection method: clinical testing. Allele origin: unknown. Not counted in ClinVar's aggregate classification.

Literature cited by the submitters: PubMed 36964972 (cited by Natera, Inc.); PubMed 23707710 (cited by 3 submitters).